The following is an entry in ClinVar:

NM_001105206.3(LAMA4):c.784C>A (p.Pro262Thr)

Gene: LAMA4 (laminin subunit alpha 4; minus strand). Cytogenetic location: 6q21.
Variant type: single nucleotide variant.
Coding change: c.784C>A on transcript NM_001105206.3 (MANE Select); coding-DNA position 784, C replaced by A.
Protein change: p.Pro262Thr; replaces proline 262 with threonine.
Molecular consequence: missense variant.
Genome position (GRCh38, 1-based): chr6:112,189,140, G>T on the plus strand (C>A on the coding strand, the complement: LAMA4 is on the minus strand). VCF-style: chr6-112189140-G-T. GRCh37 (hg19) VCF-style: chr6-112510342-G-T.
Other names: c.784C>A, p.Pro262Thr (NM_001105207.3, NM_002290.5); short protein forms P262T.
Identifiers: ClinVar variation 1004651 (VCV001004651.8), dbSNP rs1782865909, ClinGen allele CA365376589.

ClinVar aggregate classification (germline): Uncertain significance (1 of 4 stars; one submission).

Conditions:
Dilated cardiomyopathy 1JJ (CMD1JJ). Identifiers: Orphanet 154, MedGen C3808935, MONDO:0014095, OMIM 615235.

Allele frequency attached by ClinVar (database versions not stated): TOPMed below 0.00001.

Submission:

Labcorp Genetics (formerly Invitae), Labcorp
Classification: Uncertain significance for Dilated cardiomyopathy 1JJ. Last evaluated: 2021-01-15. Review status: criteria provided, single submitter. Criteria: Invitae Variant Classification Sherloc (09022015). Collection method: clinical testing. Allele origin: germline.
Comment: In summary, the available evidence is currently insufficient to determine the role of this variant in disease. Therefore, it has been classified as a Variant of Uncertain Significance. Algorithms developed to predict the effect of missense changes on protein structure and function output the following: SIFT: "Tolerated"; PolyPhen-2: "Benign"; Align-GVGD: "Class C0". The threonine amino acid residue is found in multiple mammalian species, suggesting that this missense change does not adversely affect protein function. These predictions have not been confirmed by published functional studies and their clinical significance is uncertain. This variant has not been reported in the literature in individuals with LAMA4-related conditions. This variant is not present in population databases (ExAC no frequency). This sequence change replaces proline with threonine at codon 262 of the LAMA4 protein (p.Pro262Thr). The proline residue is weakly conserved and there is a small physicochemical difference between proline and threonine.